The following is an entry in ClinVar:

ClinVar aggregate classification (germline): Uncertain significance (1 of 4 stars; one submission).

Conditions:
Multiple gastrointestinal atresias. Also called: FAMILIAL INTESTINAL POLYATRESIA SYNDROME; Multiple intestinal atresia. Identifiers: Orphanet 2300, MedGen C0220744, MONDO:0009465.

Submission:

Labcorp Genetics (formerly Invitae), Labcorp
Classification: Uncertain significance for Multiple gastrointestinal atresias. Last evaluated: 2022-07-19. Review status: criteria provided, single submitter. Criteria: Invitae Variant Classification Sherloc (09022015). Collection method: clinical testing. Allele origin: germline.
Comment: This sequence change replaces tyrosine, which is neutral and polar, with histidine, which is basic and polar, at codon 137 of the TTC7A protein (p.Tyr137His). This variant is not present in population databases (gnomAD no frequency). This variant has not been reported in the literature in individuals affected with TTC7A-related conditions. ClinVar contains an entry for this variant (Variation ID: 650168). Algorithms developed to predict the effect of missense changes on protein structure and function are either unavailable or do not agree on the potential impact of this missense change (SIFT: "Deleterious"; PolyPhen-2: "Benign"; Align-GVGD: "Class C0"). In summary, the available evidence is currently insufficient to determine the role of this variant in disease. Therefore, it has been classified as a Variant of Uncertain Significance.

NM_020458.4(TTC7A):c.409T>C (p.Tyr137His)

Gene: TTC7A (tetratricopeptide repeat domain 7A; plus strand). Cytogenetic location: 2p21.
Variant type: single nucleotide variant.
Coding change: c.409T>C on transcript NM_020458.4 (MANE Select); coding-DNA position 409, T replaced by C.
Protein change: p.Tyr137His; replaces tyrosine 137 with histidine.
Molecular consequence: missense variant. On other transcripts: 5 prime UTR variant (1).
Genome position (GRCh38, 1-based): chr2:46,956,899, T>C. VCF-style: chr2-46956899-T-C. GRCh37 (hg19) VCF-style: chr2-47184038-T-C.
Other names: c.409T>C, p.Tyr137His (LRG_1323t1, NM_001288951.2); c.307T>C, p.Tyr103His (NM_001288953.2); c.-496T>C (NM_001288955.2); short protein forms Y137H, Y103H.
Identifiers: ClinVar variation 650168 (VCV000650168.9), dbSNP rs1572717746, ClinGen allele CA346718677.